The following is an entry in ClinVar:

NM_015488.5(PNKD):c.1071G>C (p.Gly357=)

Genes: CATIP-AS2 (CATIP antisense RNA 2; minus strand), PNKD (PNKD metallo-beta-lactamase domain containing; plus strand). Cytogenetic location: 2q35.
Variant type: single nucleotide variant.
Coding change: c.1071G>C on transcript NM_015488.5 (MANE Select); coding-DNA position 1071, G replaced by C.
Protein change: p.Gly357=; no amino-acid change (glycine 357 retained).
Molecular consequence: synonymous variant.
Genome position (GRCh38, 1-based): chr2:218,344,894, G>C. VCF-style: chr2-218344894-G-C. GRCh37 (hg19) VCF-style: chr2-219209617-G-C.
Other names: c.999G>C, p.Gly333= (NM_022572.5).
Identifiers: ClinVar variation 3257089 (VCV003257089.17).

ClinVar aggregate classification (germline): Likely benign (1 of 4 stars; one submission).

Submission:

CeGaT Center for Human Genetics Tuebingen
Classification: Likely benign. Last evaluated: 2024-07-01. Review status: criteria provided, single submitter. Criteria: CeGaT Center For Human Genetics Tuebingen Variant Classification Criteria Version 2. Collection method: clinical testing. Allele origin: germline. Affected: yes. Observed: 1 variant allele.
Comment: PNKD: PM2:Supporting, BP4, BP7